The following is an entry in ClinVar:

ClinVar aggregate classification (germline): Likely benign (0 of 4 stars; one submission).

Conditions:
DCDC2-related disorder. Also called: DCDC2-related condition.

gnomAD v4.1: 4 of 1,614,012 alleles (0.00025%); highest among the groups gnomAD compares: Admixed American, 0.005%; no homozygotes.

Submission:

PreventionGenetics, part of Exact Sciences
Classification: Likely benign for DCDC2-related condition. Last evaluated: 2024-03-07. Review status: no assertion criteria provided. Collection method: clinical testing. Allele origin: germline.
Comment: This variant is classified as likely benign based on ACMG/AMP sequence variant interpretation guidelines (Richards et al. 2015 PMID: 25741868, with internal and published modifications).

NM_016356.5(DCDC2):c.510A>G (p.Leu170=)

Gene: DCDC2 (doublecortin domain containing 2; minus strand). Cytogenetic location: 6p22.3.
Variant type: single nucleotide variant.
Coding change: c.510A>G on transcript NM_016356.5 (MANE Select); coding-DNA position 510, A replaced by G.
Protein change: p.Leu170=; no amino-acid change (leucine 170 retained).
Molecular consequence: synonymous variant.
Genome position (GRCh38, 1-based): chr6:24,301,762, T>C on the plus strand (A>G on the coding strand, the complement: DCDC2 is on the minus strand). VCF-style: chr6-24301762-T-C. GRCh37 (hg19) VCF-style: chr6-24301990-T-C.
Other names: c.510A>G, p.Leu170= (NM_001195610.2).
Identifiers: ClinVar variation 3350002 (VCV003350002.1).